The following is an entry in ClinVar:

NM_022168.4(IFIH1):c.1544C>G (p.Ala515Gly)

Gene: IFIH1 (interferon induced with helicase C domain 1; minus strand). Cytogenetic location: 2q24.2.
Variant type: single nucleotide variant.
Coding change: c.1544C>G on transcript NM_022168.4 (MANE Select); coding-DNA position 1544, C replaced by G.
Protein change: p.Ala515Gly; replaces alanine 515 with glycine.
Molecular consequence: missense variant.
Genome position (GRCh38, 1-based): chr2:162,280,093, G>C on the plus strand (C>G on the coding strand, the complement: IFIH1 is on the minus strand). VCF-style: chr2-162280093-G-C. GRCh37 (hg19) VCF-style: chr2-163136603-G-C.
Other names: short protein forms A515G.
Identifiers: ClinVar variation 3363841 (VCV003363841.2).

ClinVar aggregate classification (germline): Uncertain significance. Review status: criteria provided, multiple submitters, no conflicts (2 of 4 stars). 2 submissions from 2 submitters: Uncertain significance (2). Last evaluated 2026-01-28.

Conditions:
Singleton-Merten syndrome 1 (SGMRT1). Also called: Syndrome of widened medullary cavities of the metacarpals and phalanges, aortic calcification and abnormal dentition; Widened medullary cavities of bone, aortic calcification, abnormal dentition, and muscular weakness. Identifiers: Orphanet 85191, MedGen C4225427, MONDO:0024535, OMIM 182250.
Aicardi-Goutieres syndrome 7 (AGS7). Identifiers: Orphanet 51, MedGen C3888244, MONDO:0014367, OMIM 615846.

Submissions (2):

Labcorp Genetics (formerly Invitae), Labcorp
Classification: Uncertain significance for Aicardi-Goutieres syndrome 7; Singleton-Merten syndrome 1. Last evaluated: 2026-01-28. Review status: criteria provided, single submitter. Criteria: Invitae Variant Classification Sherloc (09022015). Collection method: clinical testing. Allele origin: germline.
Comment: This sequence change replaces alanine, which is neutral and non-polar, with glycine, which is neutral and non-polar, at codon 515 of the IFIH1 protein (p.Ala515Gly). This variant is not present in population databases (gnomAD no frequency). This variant has not been reported in the literature in individuals affected with IFIH1-related conditions. ClinVar contains an entry for this variant (Variation ID: 3363841). Invitae Evidence Modeling of protein sequence and biophysical properties (such as structural, functional, and spatial information, amino acid conservation, physicochemical variation, residue mobility, and thermodynamic stability) has been performed for this missense variant. However, the output from this modeling did not meet the statistical confidence thresholds required to predict the impact of this variant on IFIH1 protein function. In summary, the available evidence is currently insufficient to determine the role of this variant in disease. Therefore, it has been classified as a Variant of Uncertain Significance.

GeneDx
Classification: Uncertain significance. Last evaluated: 2023-11-10. Review status: criteria provided, single submitter. Criteria: GeneDx Variant Classification Process June 2021. Collection method: clinical testing. Allele origin: germline. Affected: yes.
Comment: Not observed at significant frequency in large population cohorts (gnomAD); In silico analysis supports that this missense variant has a deleterious effect on protein structure/function; Has not been previously published as pathogenic or benign to our knowledge